The following is an entry in ClinVar:

ClinVar aggregate classification (germline): Uncertain significance (1 of 4 stars; one submission).

Conditions:
Hereditary cancer-predisposing syndrome. Also called: Tumor predisposition; Hereditary neoplastic syndrome; Hereditary Cancer Syndrome; Neoplastic Syndromes, Hereditary. Identifiers: Orphanet 140162, MedGen C0027672, MeSH D009386, MONDO:0015356.

Submission:

Ambry Genetics
Classification: Uncertain significance for Hereditary cancer-predisposing syndrome. Last evaluated: 2025-03-17. Review status: criteria provided, single submitter. Criteria: Ambry Variant Classification Scheme 2023. Collection method: clinical testing. Allele origin: germline.
Comment: The p.K108T variant (also known as c.323A>C), located in coding exon 2 of the RET gene, results from an A to C substitution at nucleotide position 323. The lysine at codon 108 is replaced by threonine, an amino acid with similar properties. This amino acid position is conserved. In addition, this alteration is predicted to be tolerated by in silico analysis. Based on the available evidence, the clinical significance of this variant remains unclear.

NM_020975.6(RET):c.323A>C (p.Lys108Thr)

Gene: RET (ret proto-oncogene; plus strand). Cytogenetic location: 10q11.21.
Variant type: single nucleotide variant.
Coding change: c.323A>C on transcript NM_020975.6 (MANE Select); coding-DNA position 323, A replaced by C.
Protein change: p.Lys108Thr; replaces lysine 108 with threonine.
Molecular consequence: missense variant. On other transcripts: intron variant (4).
Genome position (GRCh38, 1-based): chr10:43,100,708, A>C. VCF-style: chr10-43100708-A-C. GRCh37 (hg19) VCF-style: chr10-43596156-A-C.
Other names: c.323A>C, p.Lys108Thr (NM_001406771.1, NM_001406772.1, NM_001406773.1 and 32 more transcripts); c.74-8323A>C (NM_001406784.1); c.74-11391A>C (NM_001406794.1, NM_001406792.1, NM_001406793.1); short protein forms K108T.
Identifiers: ClinVar variation 3944656 (VCV003944656.1).